The following is an entry in ClinVar:

NM_004006.3(DMD):c.5452G>T (p.Glu1818Ter)

Gene: DMD (dystrophin; minus strand). Cytogenetic location: Xp21.1.
Variant type: single nucleotide variant.
Coding change: c.5452G>T on transcript NM_004006.3 (MANE Select); coding-DNA position 5452, G replaced by T.
Protein change: p.Glu1818Ter; replaces glutamic acid 1818 with a stop codon.
Molecular consequence: nonsense.
Genome position (GRCh38, 1-based): chrX:32,346,077, C>A on the plus strand (G>T on the coding strand, the complement: DMD is on the minus strand). VCF-style: chrX-32346077-C-A. GRCh37 (hg19) VCF-style: chrX-32364194-C-A.
Other names: c.5428G>T, p.Glu1810Ter (NM_000109.4); c.5440G>T, p.Glu1814Ter (NM_004009.3); c.5083G>T, p.Glu1695Ter (NM_004010.3); c.1429G>T, p.Glu477Ter (NM_004011.4); c.1420G>T, p.Glu474Ter (NM_004012.4); short protein forms E1810*, E1814*, E477*, E1695*, E474*, E1818*.
Identifiers: ClinVar variation 952118 (VCV000952118.8), dbSNP rs2097762928, ClinGen allele CA412667505.

ClinVar aggregate classification (germline): Pathogenic (1 of 4 stars; one submission).

Conditions:
Duchenne muscular dystrophy (DMD). Also called: MUSCULAR DYSTROPHY, PSEUDOHYPERTROPHIC PROGRESSIVE, DUCHENNE TYPE; Duchenne Muscular Dystrophy (DMD). Identifiers: Orphanet 98896, MedGen C0013264, MONDO:0010679, OMIM 310200.

Submission:

Labcorp Genetics (formerly Invitae), Labcorp
Classification: Pathogenic for Duchenne muscular dystrophy. Last evaluated: 2019-06-23. Review status: criteria provided, single submitter. Criteria: Invitae Variant Classification Sherloc (09022015). Collection method: clinical testing. Allele origin: germline.
Comment: This variant is not present in population databases (ExAC no frequency). For these reasons, this variant has been classified as Pathogenic. Loss-of-function variants in DMD are known to be pathogenic (PMID: 16770791, 25007885). This variant has not been reported in the literature in individuals with DMD-related conditions. This sequence change creates a premature translational stop signal (p.Glu1818*) in the DMD gene. It is expected to result in an absent or disrupted protein product.

Literature cited by the submitters: PubMed 16770791; PubMed 25007885.